The following is an entry in ClinVar:

NM_003356.4(UCP3):c.427C>T (p.Arg143Ter)

Gene: UCP3 (uncoupling protein 3; minus strand). Cytogenetic location: 11q13.4.
Variant type: single nucleotide variant.
Coding change: c.427C>T on transcript NM_003356.4 (MANE Select); coding-DNA position 427, C replaced by T.
Protein change: p.Arg143Ter; replaces arginine 143 with a stop codon.
Molecular consequence: nonsense.
Genome position (GRCh38, 1-based): chr11:74,005,844, G>A on the plus strand (C>T on the coding strand, the complement: UCP3 is on the minus strand). VCF-style: chr11-74005844-G-A. GRCh37 (hg19) VCF-style: chr11-73716889-G-A.
Other names: c.427C>T, p.Arg143Ter (NM_022803.3); short protein forms R143*.
Identifiers: ClinVar variation 7577 (VCV000007577.15), dbSNP rs104894319, ClinGen allele CA118900.
Genomic context (GRCh38, chr11:74,005,844, plus strand): 5'-TAGTCCCGCTGTATTTTCTGTCGCTCCTGGATGGCCCGAGGTGTATGCTGGCCTGAAATC[G>A]GACCTTCACCACATCTGTGGGCTGGGCACAGGTCACCGCCATGGCTCCTGTGGTGCAGCC-3'

ClinVar aggregate classification (germline): Conflicting classifications of pathogenicity. Review status: criteria provided, conflicting classifications (1 of 4 stars). 5 submissions from 5 submitters: Uncertain significance (2); Likely benign (1). 2 of the submissions do not count toward it. Last evaluated 2026-01-03.

Conditions:
Inherited obesity. Also called: Monogenic Obesity. Identifiers: Orphanet 77828, MedGen C4054476, MONDO:0019182, OMIM 601665.
UCP3-related disorder. Also called: UCP3-related condition.
Obesity, severe, and type II diabetes. Identifiers: MedGen C4016768.

Allele frequency attached by ClinVar (database versions not stated): gnomAD exomes 0.00064; TOPMed 0.00210; 1000 Genomes Project 30x 0.00359; ExAC 0.00065; gnomAD 0.00180 and 0.00194; 1000 Genomes Project 0.00280.
gnomAD v4.1: 635 of 1,614,128 alleles (0.039%); highest among the groups gnomAD compares: African/African-American, 0.65%; 1 homozygote.

Submissions (5):

Labcorp Genetics (formerly Invitae), Labcorp
Classification: Likely benign. Last evaluated: 2026-01-03. Review status: criteria provided, single submitter. Criteria: Invitae Variant Classification Sherloc (09022015). Collection method: clinical testing. Allele origin: germline.

Genomic Medicine Center of Excellence, King Faisal Specialist Hospital and Research Centre
Classification: Uncertain significance for Inherited obesity. Last evaluated: 2024-04-04. Review status: criteria provided, single submitter. Criteria: ACMG Guidelines, 2015. Collection method: clinical testing. Allele origin: germline.

Greenwood Genetic Center Diagnostic Laboratories, Greenwood Genetic Center
Classification: Uncertain significance. Last evaluated: 2022-03-02. Review status: criteria provided, single submitter. Criteria: ACMG Guidelines, 2015. Collection method: clinical testing. Allele origin: germline. Affected: yes.
Comment: PS3_Moderate, BS1

PreventionGenetics, part of Exact Sciences
Classification: Likely benign for UCP3-related condition. Last evaluated: 2020-06-29. Review status: no assertion criteria provided. Collection method: clinical testing. Allele origin: germline. Not counted in ClinVar's aggregate classification.
Comment: This variant is classified as likely benign based on ACMG/AMP sequence variant interpretation guidelines (Richards et al. 2015 PMID: 25741868, with internal and published modifications).

OMIM
Classification: Pathogenic for OBESITY, SEVERE, AND TYPE II DIABETES. Last evaluated: 1998-10-01. Review status: no assertion criteria provided. Collection method: literature only. Allele origin: germline. Not counted in ClinVar's aggregate classification.

Literature cited by the submitters: PubMed 9769326 (cited by OMIM).